The following is an entry in ClinVar:

NM_033056.4(PCDH15):c.5249dup (p.Pro1751fs)

Gene: PCDH15 (protocadherin related 15; minus strand). Cytogenetic location: 10q21.1.
Variant type: Duplication.
Coding change: c.5249dup on transcript NM_033056.4 (MANE Plus Clinical); coding-DNA position 5249, one base duplicated (C; older notation c.5249dupC).
Protein change: p.Pro1751fs; shifts the reading frame from proline 1751.
Molecular consequence: frameshift variant. On other transcripts: intron variant (8).
Genome position (GRCh38, 1-based): chr10:53,822,477, G duplicated on the plus strand (C on the coding strand, the reverse complement: PCDH15 is on the minus strand); the first of 2 consecutive G bases (chr10:53,822,477-53,822,478); duplicating either gives the same sequence. VCF-style (leftmost placement, unchanged base first): chr10-53822476-A-AG. GRCh37 (hg19) VCF-style: chr10-55582236-A-AG.
Other names: c.5240dup, p.Pro1748fs (NM_001142766.2); c.5129dup, p.Pro1711fs (NM_001142767.2); c.5189dup, p.Pro1731fs (NM_001142768.2); c.5180dup, p.Pro1728fs (NM_001142773.2); c.5183dup, p.Pro1729fs (NM_001354404.2); c.4367+4916dup (NM_001354420.2); c.4368-4464dup (NM_001354429.2); c.4368-2247dup (NM_001384140.1); and 7 more; short protein forms P1682fs, P1711fs, P1728fs, P1729fs, P1731fs, P1748fs, P1751fs, P1753fs.
Identifiers: ClinVar variation 4883896 (VCV004883896.2).

ClinVar aggregate classification (germline): Uncertain significance (1 of 4 stars; one submission).

Submission:

Dasa
Classification: Uncertain significance. Last evaluated: 2025-04-02. Review status: criteria provided, single submitter. Criteria: DASA Assertion Criteria. Collection method: clinical testing. Allele origin: germline.
Comment: NM_001142763.2(PCDH15):c.5270dup (p.Pro1758Serfs*20) is a frameshift variant in PCDH15 predicted to alter the reading frame and introduce a premature termination codon and is predicted to result in an absent or altered protein product. Loss of function is an established disease mechanism for PCDH15-associated disorders. Also, this variant is absent from population databases. The currently available literature and clinical evidence are not sufficient to establish a definitive association between this variant and the reported condition. Therefore, this variant is classified as a variant of uncertain significance.